The following is an entry in ClinVar:

NM_025114.4(CEP290):c.4704+3A>G

Gene: CEP290 (centrosomal protein 290; minus strand). Cytogenetic location: 12q21.32.
Variant type: single nucleotide variant.
Coding change: c.4704+3A>G on transcript NM_025114.4 (MANE Select); 3 bases into the intron after coding-DNA position 4704, A replaced by G.
Molecular consequence: intron variant.
Genome position (GRCh38, 1-based): chr12:88,084,583, T>C on the plus strand (A>G on the coding strand, the complement: CEP290 is on the minus strand). VCF-style: chr12-88084583-T-C. GRCh37 (hg19) VCF-style: chr12-88478360-T-C.
Identifiers: ClinVar variation 1981974 (VCV001981974.4), dbSNP rs762149519, ClinGen allele CA6711886.
Genomic context (GRCh38, chr12:88,084,583, plus strand): 5'-ATATTTAGCATTTGCTTAAAAAAACTAATGGATAACAGCATAACTCATAATATAATAAAA[T>C]ACCTCTCTGGCTTTTTCTAGAAGACGTTGATACTTCTTTAATACTTCTTCTTTTTGATTT-3'

ClinVar aggregate classification (germline): Uncertain significance (1 of 4 stars; one submission).

Conditions:
Joubert syndrome. Also called: CEREBELLOPARENCHYMAL DISORDER IV; JOUBERT-BOLTSHAUSER SYNDROME; Familial aplasia of the vermis. Identifiers: Orphanet 475, MedGen C5979921, MONDO:0018772.
Meckel-Gruber syndrome. Also called: DYSENCEPHALIA SPLANCHNOCYSTICA; GRUBER SYNDROME; Dysencephalia splachnocystica. Identifiers: Orphanet 564, MedGen C0265215, MONDO:0018921.
Nephronophthisis. Also called: Juvenile Nephronophthisis. Identifiers: Orphanet 655, MedGen C0687120, MONDO:0019005, HP:0000090.

Allele frequency attached by ClinVar (database versions not stated): ExAC 0.00001.

Submission:

Labcorp Genetics (formerly Invitae), Labcorp
Classification: Uncertain significance for Joubert syndrome; Meckel-Gruber syndrome; Nephronophthisis. Last evaluated: 2022-04-22. Review status: criteria provided, single submitter. Criteria: Invitae Variant Classification Sherloc (09022015). Collection method: clinical testing. Allele origin: germline.
Comment: This sequence change falls in intron 35 of the CEP290 gene. It does not directly change the encoded amino acid sequence of the CEP290 protein. It affects a nucleotide within the consensus splice site. In summary, the available evidence is currently insufficient to determine the role of this variant in disease. Therefore, it has been classified as a Variant of Uncertain Significance. Variants that disrupt the consensus splice site are a relatively common cause of aberrant splicing (PMID: 17576681, 9536098). Algorithms developed to predict the effect of sequence changes on RNA splicing suggest that this variant may disrupt the consensus splice site. This variant has not been reported in the literature in individuals affected with CEP290-related conditions. This variant is not present in population databases (gnomAD no frequency).

Literature cited by the submitters: PubMed 17576681; PubMed 9536098.